The following is an entry in ClinVar:

NM_013280.5(FLRT1):c.1729G>A (p.Val577Met)

Genes: FLRT1 (fibronectin leucine rich transmembrane protein 1; plus strand), MACROD1 (mono-ADP ribosylhydrolase 1; minus strand). Cytogenetic location: 11q13.1.
Variant type: single nucleotide variant.
Coding change: c.1729G>A on transcript NM_013280.5 (MANE Select); coding-DNA position 1729, G replaced by A.
Protein change: p.Val577Met; replaces valine 577 with methionine.
Molecular consequence: missense variant. On other transcripts: intron variant (2).
Genome position (GRCh38, 1-based): chr11:64,117,996, G>A. VCF-style: chr11-64117996-G-A. GRCh37 (hg19) VCF-style: chr11-63885468-G-A.
Other names: c.1729G>A, p.Val577Met (NM_001384466.1); c.1645G>A, p.Val549Met (NM_001423967.1); c.517+33243C>T (NM_001411019.1, NM_014067.4); short protein forms V577M, V549M.
Identifiers: ClinVar variation 575806 (VCV000575806.8), dbSNP rs140274429, ClinGen allele CA6067775.

ClinVar aggregate classification (germline): Uncertain significance (1 of 4 stars; one submission).

Conditions:
Peripheral neuropathy. Also called: Neuropathy. Identifiers: MedGen C0031117, MONDO:0005244, HP:0009830.

gnomAD v4.1: 24 of 1,613,786 alleles (0.0015%); highest among the groups gnomAD compares: Non-Finnish European, 0.0019%; no homozygotes.

Submission:

Labcorp Genetics (formerly Invitae), Labcorp
Classification: Uncertain significance for Peripheral neuropathy. Last evaluated: 2018-03-04. Review status: criteria provided, single submitter. Criteria: Invitae Variant Classification Sherloc (09022015). Collection method: clinical testing. Allele origin: germline.
Comment: This sequence change replaces valine with methionine at codon 577 of the FLRT1 protein (p.Val577Met). The valine residue is highly conserved and there is a small physicochemical difference between valine and methionine. In summary, the available evidence is currently insufficient to determine the role of this variant in disease. Therefore, it has been classified as a Variant of Uncertain Significance. Algorithms developed to predict the effect of missense changes on protein structure and function (SIFT, PolyPhen-2, Align-GVGD) all suggest that this variant is likely to be tolerated, but these predictions have not been confirmed by published functional studies and their clinical significance is uncertain. This variant has not been reported in the literature in individuals with FLRT1-related disease. This variant is present in population databases (rs140274429, ExAC 0.002%).